The following is an entry in ClinVar:

ClinVar aggregate classification (germline): Likely benign. Review status: criteria provided, multiple submitters, no conflicts (2 of 4 stars). 4 submissions from 4 submitters: Likely benign (3). 1 of the submissions does not count toward it. Last evaluated 2026-01-26.

Conditions:
GEN1-related disorder. Also called: GEN1-related condition.

Allele frequency attached by ClinVar (database versions not stated): 1000 Genomes Project 0.00040; 1000 Genomes Project 30x 0.00047; ESP Exome Variant Server 0.00169.
gnomAD v4.1: 3,936 of 1,613,856 alleles (0.24%); highest among the groups gnomAD compares: Non-Finnish European, 0.32%; 7 homozygotes.

Submissions (4):

Labcorp Genetics (formerly Invitae), Labcorp
Classification: Likely benign. Last evaluated: 2026-01-26. Review status: criteria provided, single submitter. Criteria: Invitae Variant Classification Sherloc (09022015). Collection method: clinical testing. Allele origin: germline.

Department of Pathology and Laboratory Medicine, Sinai Health System
Classification: Likely benign for GEN1-related disorder. Last evaluated: 2021-07-30. Review status: criteria provided, single submitter. Criteria: ACMG Guidelines, 2015. Collection method: research. Allele origin: germline.

Breakthrough Genomics
Classification: Likely benign. Review status: criteria provided, single submitter. Criteria: ACMG Guidelines, 2015. Collection method: not provided. Allele origin: germline. Inheritance: Unknown mechanism. Affected: yes.

PreventionGenetics, part of Exact Sciences
Classification: Likely benign for GEN1-related condition. Last evaluated: 2022-04-12. Review status: no assertion criteria provided. Collection method: clinical testing. Allele origin: germline. Not counted in ClinVar's aggregate classification.
Comment: This variant is classified as likely benign based on ACMG/AMP sequence variant interpretation guidelines (Richards et al. 2015 PMID: 25741868, with internal and published modifications).

NM_001130009.3(GEN1):c.1526C>G (p.Ser509Trp)

Gene: GEN1 (GEN1 structure-specific endonuclease; plus strand). Cytogenetic location: 2p24.2.
Variant type: single nucleotide variant.
Coding change: c.1526C>G on transcript NM_001130009.3 (MANE Select); coding-DNA position 1526, C replaced by G.
Protein change: p.Ser509Trp; replaces serine 509 with tryptophan.
Molecular consequence: missense variant.
Genome position (GRCh38, 1-based): chr2:17,780,738, C>G. VCF-style: chr2-17780738-C-G. GRCh37 (hg19) VCF-style: chr2-17962005-C-G.
Other names: c.1526C>G, p.Ser509Trp (NM_182625.5); c.1526C>G (NM_182625.4); short protein forms S509W.
Identifiers: ClinVar variation 1156269 (VCV001156269.11), dbSNP rs150586336, ClinGen allele CA1540782.